The following continues an entry in ClinVar:

NM_000152.5(GAA):c.655G>A (p.Gly219Arg)

Gene: GAA. ClinVar aggregate classification (germline): Pathogenic. Pathogenic (1).

Submissions 11 to 14 of 14:

Broad Center for Mendelian Genomics, Broad Institute of MIT and Harvard
Classification: Pathogenic for Glycogen storage disease, type II. Last evaluated: 2020-01-22. Review status: criteria provided, single submitter. Criteria: ACMG Guidelines, 2015. Collection method: curation. Allele origin: germline. Inheritance: Autosomal recessive inheritance. Not counted in ClinVar's aggregate classification.
Comment: The p.Gly219Arg variant in GAA has been reported in 22 individuals (including 10 French, 3 Saudi, 1 Italian, 1 Spanish, 1 Japanese, and 3 other Caucasian individuals) with Glycogen Storage Disease II (PMID: 23787031, 30023291, 18995995, 23266370, 11738358, 21550241, 25037089, 23601496, 21637107, 29124014, 30155607, 18429042, 24844452, 14695532), and has also been reported pathogenic (by EGL, GeneDx, Invitae, and Integrated Genetics) and likely pathogenic (by Counsyl) in ClinVar (Variation ID: 189065). This variant has been identified in 0.004% (1/24848) of African chromosomes and 0.003% (1/35388) of Latino chromosomes by the Genome Aggregation Database (gnomAD; dbSNP rs370950728). Although this variant has been seen in the general population, its frequency is low enough to be consistent with a recessive carrier frequency. In vitro functional studies with COS cells transfected with this variant provide some evidence that the p.Gly219Arg variant may reduce GAA activity by more than 98% (PMID: 14695532, 19862843). However, these types of assays may not accurately represent biological function. Computational prediction tools and conservation analyses suggest that this variant may impact the protein, though this information is not predictive enough to determine pathogenicity. The presence of this variant in combination with pathogenic and likely pathogenic variants, and in individuals with Glycogen Storage Disease II increases the likelihood that the p.Gly219Arg variant is pathogenic (PMID: 21637107, 21550241, 11738358). The phenotype of individuals heterozygous for this variant is highly specific for Glycogen Storage Disease II with very low GAA activity detected in relevant tissues (PMID: 23601496, 24844452, 21550241, 29124014, 11738358, 21637107). In summary, this variant meets criteria to be classified as pathogenic for Glycogen Storage Disease II in an autosomal recessive manner based on in vitro functional studies with COS cells transfected with this variant and multiple occurrences with pathogenic GAA variants in individuals with Glycogen Storage Disease II. ACMG/AMP Criteria applied: PS3, PM2, PM3, PP3, PP4 (Richards 2015).

Women's Health and Genetics/Laboratory Corporation of America, LabCorp
Classification: Pathogenic for Glycogen storage disease, type II. Last evaluated: 2017-05-07. Review status: criteria provided, single submitter. Criteria: LabCorp Variant Classification Summary - May 2015. Collection method: clinical testing. Allele origin: germline. Not counted in ClinVar's aggregate classification.
Comment: Variant summary: The GAA c.655G>A (p.Gly219Arg) variant located in the Galactose mutarotase, N-terminal barrel domain (via InterPro) involves the alteration of a conserved nucleotide and 5/5 in silico tools predict a damaging outcome for this variant. This variant was found in 2/120140 control chromosomes at a frequency of 0.0000166, which does not exceed the estimated maximal expected allele frequency of a pathogenic GAA variant (0.0042205). Multiple publications have cited the variant in both compound heterozygous and homozygous Pompe disease patients, which were found to have very little GAA activity. In addition, multiple clinical diagnostic laboratories/reputable databases classified this variant as "likely pathogenic/pathogenic." Taken together, this variant is classified as pathogenic.

Eurofins Ntd Llc (ga)
Classification: Pathogenic. Last evaluated: 2015-08-14. Review status: criteria provided, single submitter. Criteria: EGL Classification Definitions 2015. Collection method: clinical testing. Allele origin: germline. Observed: 3 variant alleles, 2 heterozygotes, 1 homozygote. Not counted in ClinVar's aggregate classification.

Counsyl
Classification: Likely pathogenic for Glycogen storage disease, type II. Last evaluated: 2014-11-19. Review status: no assertion criteria provided. Collection method: literature only. Allele origin: unknown. Inheritance: Autosomal recessive inheritance. Not counted in ClinVar's aggregate classification.

Literature cited by the submitters: PubMed 39835171 (cited by Genomenon, Inc); PubMed 39273088 (cited by Genomenon, Inc); PubMed 38958145 (cited by Genomenon, Inc); PubMed 38250073 (cited by Genomenon, Inc); PubMed 34501319 (cited by Genomenon, Inc); PubMed 34020684 (cited by Genomenon, Inc); PubMed 33301762 (cited by Genomenon, Inc); PubMed 33073003 (cited by Genomenon, Inc); PubMed 31899940 (cited by Genomenon, Inc); PubMed 36246652 (cited by Genomenon, Inc); PubMed 33560568 (cited by Genomenon, Inc); PubMed 14695532 (cited by 6 submitters); PubMed 11738358 (cited by 5 submitters); PubMed 18429042 (cited by 5 submitters); PubMed 21550241 (cited by 3 submitters); PubMed 23266370 (cited by 3 submitters); PubMed 23601496 (cited by 4 submitters); PubMed 23787031 (cited by 4 submitters); PubMed 29124014 (cited by 3 submitters); PubMed 34220802 (cited by Natera, Inc.); PubMed 31086307 (cited by Natera, Inc.); PubMed 24844452 (cited by 4 submitters); PubMed 25037089 (cited by Broad Center for Mendelian Genomics, Broad Institute of MIT and Harvard and Counsyl); PubMed 30155607 (cited by Broad Center for Mendelian Genomics, Broad Institute of MIT and Harvard); PubMed 19862843 (cited by Broad Center for Mendelian Genomics, Broad Institute of MIT and Harvard and Counsyl); PubMed 21637107 (cited by Broad Center for Mendelian Genomics, Broad Institute of MIT and Harvard and Counsyl); PubMed 30023291 (cited by Broad Center for Mendelian Genomics, Broad Institute of MIT and Harvard); PubMed 18995995 (cited by Broad Center for Mendelian Genomics, Broad Institute of MIT and Harvard and Counsyl).